The following is an entry in ClinVar:

NM_015426.5(POC1A):c.2T>C (p.Met1Thr)

Gene: POC1A (POC1 centriolar protein A; minus strand). Cytogenetic location: 3p21.2.
Variant type: single nucleotide variant.
Coding change: c.2T>C on transcript NM_015426.5 (MANE Select); coding-DNA position 2, T replaced by C.
Protein change: p.Met1Thr; changes the start codon (methionine 1).
Molecular consequence: missense variant, initiator codon variant. On other transcripts: 5 prime UTR variant (1).
Genome position (GRCh38, 1-based): chr3:52,154,371, A>G on the plus strand (T>C on the coding strand, the complement: POC1A is on the minus strand). VCF-style: chr3-52154371-A-G. GRCh37 (hg19) VCF-style: chr3-52188387-A-G.
Other names: c.2T>C, p.Met1Thr (NM_001161580.2); c.-184T>C (NM_001161581.2); short protein forms M1T.
Identifiers: ClinVar variation 2957391 (VCV002957391.3), dbSNP rs1488104140, ClinGen allele CA353052834.

ClinVar aggregate classification (germline): Pathogenic (1 of 4 stars; one submission).

Allele frequency attached by ClinVar (database versions not stated): gnomAD exomes below 0.00001; TOPMed 0.00001.

Submission:

Labcorp Genetics (formerly Invitae), Labcorp
Classification: Pathogenic. Last evaluated: 2023-10-05. Review status: criteria provided, single submitter. Criteria: Invitae Variant Classification Sherloc (09022015). Collection method: clinical testing. Allele origin: germline.
Comment: This sequence change affects the initiator methionine of the POC1A mRNA. The next in-frame methionine is located at codon 39. This variant is not present in population databases (gnomAD no frequency). This variant has not been reported in the literature in individuals affected with POC1A-related conditions. This variant disrupts a region of the POC1A protein in which other variant(s) (p.Val22Phe) have been determined to be pathogenic (PMID: 31767933). This suggests that this is a clinically significant region of the protein, and that variants that disrupt it are likely to be disease-causing. For these reasons, this variant has been classified as Pathogenic.

Literature cited by the submitters: PubMed 31767933.